The following is an entry in ClinVar:

NM_206933.4(USH2A):c.14595A>G (p.Gln4865=)

Gene: USH2A (usherin; minus strand). Cytogenetic location: 1q41.
Variant type: single nucleotide variant.
Coding change: c.14595A>G on transcript NM_206933.4 (MANE Select); coding-DNA position 14595, A replaced by G.
Protein change: p.Gln4865=; no amino-acid change (glutamine 4865 retained).
Molecular consequence: synonymous variant.
Genome position (GRCh38, 1-based): chr1:215,647,718, T>C on the plus strand (A>G on the coding strand, the complement: USH2A is on the minus strand). VCF-style: chr1-215647718-T-C. GRCh37 (hg19) VCF-style: chr1-215821060-T-C.
Identifiers: ClinVar variation 1707258 (VCV001707258.12), dbSNP rs898025476, ClinGen allele CA37389406.

ClinVar aggregate classification (germline): Likely benign. Review status: criteria provided, multiple submitters, no conflicts (2 of 4 stars). 6 submissions from 5 submitters: Likely benign (6). Last evaluated 2026-01-03.

Conditions:
USH2A-related disorder. Also called: USH2A-related condition; USH2A-related disorders. Identifiers: MedGen CN239332.
Retinitis pigmentosa 39 (RP39). Identifiers: Orphanet 791, MedGen C3151138, MONDO:0013436, OMIM 613809.
Usher syndrome type 2A. Also called: RETINAL DISEASE IN USHER SYNDROME TYPE IIA, MODIFIER OF; USHER SYNDROME, TYPE IIA. Identifiers: Orphanet 231178, Orphanet 886, MedGen C1848634, MONDO:0010169, OMIM 276901.

Allele frequency attached by ClinVar (database versions not stated): gnomAD exomes 0.00001.
gnomAD v4.1: 6 of 1,614,156 alleles (0.00037%); highest among the groups gnomAD compares: Admixed American, 0.0083%; no homozygotes.

Submissions (6):

Labcorp Genetics (formerly Invitae), Labcorp
Classification: Likely benign. Last evaluated: 2026-01-03. Review status: criteria provided, single submitter. Criteria: Invitae Variant Classification Sherloc (09022015). Collection method: clinical testing. Allele origin: germline.

PreventionGenetics, part of Exact Sciences
Classification: Likely benign for USH2A-related condition. Last evaluated: 2025-04-20. Review status: criteria provided, single submitter. Criteria: ACMG Guidelines, 2015. Collection method: clinical testing. Allele origin: germline.
Comment: This variant is classified as likely benign based on ACMG/AMP sequence variant interpretation guidelines (Richards et al. 2015 PMID: 25741868, with internal and published modifications).

Genome-Nilou Lab
Classification: Likely benign for Retinitis pigmentosa 39. Last evaluated: 2023-11-04. Review status: criteria provided, single submitter. Criteria: ACMG Guidelines, 2015. Collection method: clinical testing. Allele origin: germline. Affected: no.

Genome-Nilou Lab
Classification: Likely benign for Usher syndrome type 2A. Last evaluated: 2023-11-04. Review status: criteria provided, single submitter. Criteria: ACMG Guidelines, 2015. Collection method: clinical testing. Allele origin: germline. Affected: no.

Blueprint Genetics
Classification: Likely benign. Last evaluated: 2021-08-23. Review status: criteria provided, single submitter. Criteria: ACMG Guidelines, 2015. Collection method: clinical testing. Allele origin: germline.

GeneDx
Classification: Likely benign. Last evaluated: 2020-07-20. Review status: criteria provided, single submitter. Criteria: GeneDx Variant Classification Process June 2021. Collection method: clinical testing. Allele origin: germline. Affected: yes.
Comment: See Variant Classification Assertion Criteria.